The following is an entry in ClinVar:

NM_000135.4(FANCA):c.1870G>T (p.Ala624Ser)

Gene: FANCA (FA complementation group A; minus strand). Cytogenetic location: 16q24.3.
Variant type: single nucleotide variant.
Coding change: c.1870G>T on transcript NM_000135.4 (MANE Select); coding-DNA position 1870, G replaced by T.
Protein change: p.Ala624Ser; replaces alanine 624 with serine.
Molecular consequence: missense variant.
Genome position (GRCh38, 1-based): chr16:89,775,772, C>A on the plus strand (G>T on the coding strand, the complement: FANCA is on the minus strand). VCF-style: chr16-89775772-C-A. GRCh37 (hg19) VCF-style: chr16-89842180-C-A.
Other names: c.1870G>T, p.Ala624Ser (NM_001286167.3); short protein forms A624S.
Identifiers: ClinVar variation 844707 (VCV000844707.9), dbSNP rs1403464170, ClinGen allele CA397451874.

ClinVar aggregate classification (germline): Uncertain significance (1 of 4 stars; one submission).

Conditions:
Fanconi anemia (FA). Also called: Fanconi's anemia. Identifiers: Orphanet 84, MedGen C0015625, MeSH D005199, MONDO:0019391.

Allele frequency attached by ClinVar (database versions not stated): gnomAD exomes below 0.00001.
gnomAD v4.1: 1 of 1,612,854 alleles (0.000062%); highest among the groups gnomAD compares: South Asian, 0.0011%; no homozygotes.

Submission:

Labcorp Genetics (formerly Invitae), Labcorp
Classification: Uncertain significance for Fanconi anemia. Last evaluated: 2022-07-12. Review status: criteria provided, single submitter. Criteria: Invitae Variant Classification Sherloc (09022015). Collection method: clinical testing. Allele origin: germline.
Comment: This sequence change replaces alanine, which is neutral and non-polar, with serine, which is neutral and polar, at codon 624 of the FANCA protein (p.Ala624Ser). The frequency data for this variant in the population databases is considered unreliable, as metrics indicate poor data quality at this position in the gnomAD database. This variant has not been reported in the literature in individuals affected with FANCA-related conditions. ClinVar contains an entry for this variant (Variation ID: 844707). Advanced modeling of protein sequence and biophysical properties (such as structural, functional, and spatial information, amino acid conservation, physicochemical variation, residue mobility, and thermodynamic stability) performed at Invitae indicates that this missense variant is not expected to disrupt FANCA protein function. In summary, the available evidence is currently insufficient to determine the role of this variant in disease. Therefore, it has been classified as a Variant of Uncertain Significance.